The following is an entry in ClinVar:

ClinVar aggregate classification (germline): Uncertain significance (1 of 4 stars; one submission).

Submission:

Medical Genetic Center, Changzhi Maternal and Child Health Care Hospital
Classification: Uncertain significance. Last evaluated: 2025-12-10. Review status: criteria provided, single submitter. Criteria: ACMG/ClinGen CNV Guidelines, 2019. Collection method: clinical testing. Allele origin: unknown.
Comment: STRC deletion cariirer

GRCh38/hg38 15q15.3(chr15:43576372-43707912)x1

Genes: CATSPER2 (cation channel sperm associated 2; minus strand), CKMT1A (creatine kinase, mitochondrial 1A; plus strand), CKMT1B (creatine kinase, mitochondrial 1B; plus strand), PPIP5K1 (diphosphoinositol pentakisphosphate kinase 1; minus strand), STRC (stereocilin; minus strand) and 2 more. Cytogenetic location: 15q15.3.
Variant type: copy number loss.
Change: copy number 1 (one copy instead of two) of chr15:43,576,372-43,707,912 (131.5 kb, GRCh38 coordinates, 1-based), cytogenetic band 15q15.3.
Identifiers: ClinVar variation 4796417 (VCV004796417.1).